The following is an entry in ClinVar:

ClinVar aggregate classification (germline): Conflicting classifications of pathogenicity. Review status: criteria provided, conflicting classifications (1 of 4 stars). 5 submissions from 5 submitters: Uncertain significance (3); Benign (1); Likely benign (1). Last evaluated 2026-01-18.

Conditions:
Hereditary cancer-predisposing syndrome. Also called: Neoplastic Syndromes, Hereditary; Tumor predisposition; Hereditary Cancer Syndrome; Hereditary neoplastic syndrome. Identifiers: Orphanet 140162, MedGen C0027672, MeSH D009386, MONDO:0015356.

Allele frequency attached by ClinVar (database versions not stated): ExAC 0.00001; gnomAD 0.00001 and 0.00002; gnomAD exomes 0.00001; TOPMed 0.00003.
gnomAD v4.1: 12 of 1,610,774 alleles (0.00074%); highest among the groups gnomAD compares: African/African-American, 0.0027%; no homozygotes.

Submissions (5):

Labcorp Genetics (formerly Invitae), Labcorp
Classification: Uncertain significance. Last evaluated: 2026-01-18. Review status: criteria provided, single submitter. Criteria: Invitae Variant Classification Sherloc (09022015). Collection method: clinical testing. Allele origin: germline.
Comment: This sequence change falls in intron 13 of the POLE gene. It does not directly change the encoded amino acid sequence of the POLE protein. It affects a nucleotide within the consensus splice site. This variant is present in population databases (rs752118019, gnomAD 0.007%). This variant has not been reported in the literature in individuals affected with POLE-related conditions. ClinVar contains an entry for this variant (Variation ID: 405903). Variants that disrupt the consensus splice site are a relatively common cause of aberrant splicing (PMID: 17576681, 9536098). Studies have shown that this variant is associated with inconclusive levels of altered splicing (internal data). In summary, the available evidence is currently insufficient to determine the role of this variant in disease. Therefore, it has been classified as a Variant of Uncertain Significance.

Ambry Genetics
Classification: Uncertain significance for Hereditary cancer-predisposing syndrome. Last evaluated: 2026-01-08. Review status: criteria provided, single submitter. Criteria: Ambry Variant Classification Scheme 2023. Collection method: clinical testing. Allele origin: germline.
Comment: The c.1359+4C>T intronic variant results from a C to T substitution 4 nucleotides after coding exon 13 in the POLE gene. This nucleotide position is not well conserved in available vertebrate species. In silico splice site analysis predicts that this alteration may weaken the native splice donor site. Based on the available evidence, the clinical significance of this variant remains unclear.

GeneDx
Classification: Uncertain significance. Last evaluated: 2023-05-30. Review status: criteria provided, single submitter. Criteria: GeneDx Variant Classification Process June 2021. Collection method: clinical testing. Allele origin: germline. Affected: yes.
Comment: Not observed at significant frequency in large population cohorts (gnomAD); Has not been previously published as pathogenic or benign to our knowledge; In silico analysis is inconclusive as to whether the variant alters gene splicing. In the absence of RNA/functional studies, the actual effect of this sequence change is unknown.

Blueprint Genetics
Classification: Likely benign. Last evaluated: 2022-09-13. Review status: criteria provided, single submitter. Criteria: ACMG Guidelines, 2015. Collection method: clinical testing. Allele origin: germline.

Mendelics
Classification: Benign. Last evaluated: 2022-05-04. Review status: criteria provided, single submitter. Criteria: Mendelics Assertion Criteria 2019. Collection method: clinical testing. Allele origin: germline.

Literature cited by the submitters: PubMed 17576681 (cited by Labcorp Genetics (formerly Invitae), Labcorp); PubMed 9536098 (cited by Labcorp Genetics (formerly Invitae), Labcorp).

NM_006231.4(POLE):c.1359+4C>T

Gene: POLE (DNA polymerase epsilon, catalytic subunit; minus strand). Cytogenetic location: 12q24.33.
Variant type: single nucleotide variant.
Coding change: c.1359+4C>T on transcript NM_006231.4 (MANE Select); 4 bases into the intron after coding-DNA position 1359, C replaced by T.
Molecular consequence: intron variant.
Genome position (GRCh38, 1-based): chr12:132,673,571, G>A on the plus strand (C>T on the coding strand, the complement: POLE is on the minus strand). VCF-style: chr12-132673571-G-A. GRCh37 (hg19) VCF-style: chr12-133250157-G-A.
Identifiers: ClinVar variation 405903 (VCV000405903.18), dbSNP rs752118019, ClinGen allele CA6893994.